The following is an entry in ClinVar:

ClinVar aggregate classification (germline): Uncertain significance (1 of 4 stars; one submission).

Submission:

Labcorp Genetics (formerly Invitae), Labcorp
Classification: Uncertain significance. Last evaluated: 2024-03-04. Review status: criteria provided, single submitter. Criteria: Invitae Variant Classification Sherloc (09022015). Collection method: clinical testing. Allele origin: germline.
Comment: This sequence change replaces methionine, which is neutral and non-polar, with valine, which is neutral and non-polar, at codon 1150 of the SUCO protein (p.Met1150Val). This variant is present in population databases (rs779758299, gnomAD 0.01%). This variant has not been reported in the literature in individuals affected with SUCO-related conditions. Algorithms developed to predict the effect of missense changes on protein structure and function output the following: SIFT: "Not Available"; PolyPhen-2: "Benign"; Align-GVGD: "Not Available". The valine amino acid residue is found in multiple mammalian species, which suggests that this missense change does not adversely affect protein function. In summary, the available evidence is currently insufficient to determine the role of this variant in disease. Therefore, it has been classified as a Variant of Uncertain Significance.

NM_014283.5(SUCO):c.3448A>G (p.Met1150Val)

Gene: SUCO (SUN domain containing ossification factor; plus strand). Cytogenetic location: 1q24.3.
Variant type: single nucleotide variant.
Coding change: c.3448A>G on transcript NM_014283.5 (MANE Select); coding-DNA position 3448, A replaced by G.
Protein change: p.Met1150Val; replaces methionine 1150 with valine.
Molecular consequence: missense variant.
Genome position (GRCh38, 1-based): chr1:172,609,942, A>G. VCF-style: chr1-172609942-A-G. GRCh37 (hg19) VCF-style: chr1-172579082-A-G.
Other names: c.2335A>G, p.Met779Val (NM_001282750.2); c.1759A>G, p.Met587Val (NM_001282751.2); c.3901A>G, p.Met1301Val (NM_016227.4); short protein forms M1301V, M587V, M779V, M1150V.
Identifiers: ClinVar variation 3671132 (VCV003671132.2).